The following is an entry in ClinVar:

NM_003126.4(SPTA1):c.3842G>A (p.Arg1281His)

Gene: SPTA1 (spectrin alpha, erythrocytic 1; minus strand). Cytogenetic location: 1q23.1.
Variant type: single nucleotide variant.
Coding change: c.3842G>A on transcript NM_003126.4 (MANE Select); coding-DNA position 3842, G replaced by A.
Protein change: p.Arg1281His; replaces arginine 1281 with histidine.
Molecular consequence: missense variant.
Genome position (GRCh38, 1-based): chr1:158,647,593, C>T on the plus strand (G>A on the coding strand, the complement: SPTA1 is on the minus strand). VCF-style: chr1-158647593-C-T. GRCh37 (hg19) VCF-style: chr1-158617383-C-T.
Other names: p.Arg1281His; short protein forms R1281H.
Identifiers: ClinVar variation 2690099 (VCV002690099.4), dbSNP rs374733516, ClinGen allele CA1182917.
Genomic context (GRCh38, chr1:158,647,593, plus strand): 5'-CTCTACCTGGCCTTGCTGAGGAACAGGTAGAATTTCTGGGCCTCATTTAGGCTCTCCTTA[C>T]GATCCTTTGTACGCCCCTGCAGGTCTTCCCAGGCCTCATTCAGCTCCATTTTCTGTCTCT-3'
Protein context (NP_003117.2, residues 1271-1291): WEDLQGRTKD[Arg1281His]KESLNEAQKF

ClinVar aggregate classification (germline): Uncertain significance. Review status: criteria provided, multiple submitters, no conflicts (2 of 4 stars). 3 submissions from 3 submitters: Uncertain significance (3). Last evaluated 2024-12-20.

Allele frequency attached by ClinVar (database versions not stated): TOPMed 0.00007; ESP Exome Variant Server 0.00016; gnomAD 0.00004.
gnomAD v4.1: 99 of 1,613,790 alleles (0.0061%); highest among the groups gnomAD compares: African/African-American, 0.004%; no homozygotes.

Submissions (3):

ARUP Laboratories, Molecular Genetics and Genomics, ARUP Laboratories
Classification: Uncertain significance. Last evaluated: 2024-12-20. Review status: criteria provided, single submitter. Criteria: ARUP Molecular Germline Variant Investigation Process 2024. Collection method: clinical testing. Allele origin: germline.
Comment: The SPTA1 c.3842G>A; p.Arg1281His variant (rs374733516), to our knowledge, is not reported in the medical literature but is reported in ClinVar (Variation ID: 2690099). This variant is found in the general population with an overall allele frequency of 0.01% (29/249214 alleles) in the Genome Aggregation Database (v2.1.1). Computational analyses are uncertain whether this variant is neutral or deleterious (REVEL: 0.541). Due to limited information, the clinical significance of this variant is uncertain at this time.

Revvity Omics, Revvity
Classification: Uncertain significance. Last evaluated: 2024-12-18. Review status: criteria provided, single submitter. Criteria: ACMG Guidelines, 2015. Collection method: clinical testing. Allele origin: germline.

Mayo Clinic Laboratories, Mayo Clinic
Classification: Uncertain significance. Last evaluated: 2024-01-30. Review status: criteria provided, single submitter. Criteria: ACMG Guidelines, 2015. Collection method: clinical testing. Allele origin: germline. Observed: 1 variant allele.
Comment: PM2_moderate